The following is an entry in ClinVar:

ClinVar aggregate classification (germline): Uncertain significance (1 of 4 stars; one submission).

Conditions:
Joubert syndrome. Also called: Familial aplasia of the vermis; CEREBELLOPARENCHYMAL DISORDER IV; JOUBERT-BOLTSHAUSER SYNDROME. Identifiers: Orphanet 475, MedGen C5979921, MONDO:0018772.
Meckel-Gruber syndrome. Also called: Dysencephalia splachnocystica; DYSENCEPHALIA SPLANCHNOCYSTICA; GRUBER SYNDROME. Identifiers: Orphanet 564, MedGen C0265215, MONDO:0018921.
Nephronophthisis. Also called: Juvenile Nephronophthisis. Identifiers: Orphanet 655, MedGen C0687120, MONDO:0019005, HP:0000090.

Submission:

Labcorp Genetics (formerly Invitae), Labcorp
Classification: Uncertain significance for Joubert syndrome; Meckel-Gruber syndrome; Nephronophthisis. Last evaluated: 2022-10-17. Review status: criteria provided, single submitter. Criteria: Invitae Variant Classification Sherloc (09022015). Collection method: clinical testing. Allele origin: germline.
Comment: This variant has not been reported in the literature in individuals affected with CEP290-related conditions. In summary, the available evidence is currently insufficient to determine the role of this variant in disease. Therefore, it has been classified as a Variant of Uncertain Significance. Algorithms developed to predict the effect of missense changes on protein structure and function (SIFT, PolyPhen-2, Align-GVGD) all suggest that this variant is likely to be tolerated. ClinVar contains an entry for this variant (Variation ID: 1060296). This variant is not present in population databases (gnomAD no frequency). This sequence change replaces alanine, which is neutral and non-polar, with glycine, which is neutral and non-polar, at codon 2356 of the CEP290 protein (p.Ala2356Gly).

NM_025114.4(CEP290):c.7067C>G (p.Ala2356Gly)

Gene: CEP290 (centrosomal protein 290; minus strand). Cytogenetic location: 12q21.32.
Variant type: single nucleotide variant.
Coding change: c.7067C>G on transcript NM_025114.4 (MANE Select); coding-DNA position 7067, C replaced by G.
Protein change: p.Ala2356Gly; replaces alanine 2356 with glycine.
Molecular consequence: missense variant.
Genome position (GRCh38, 1-based): chr12:88,053,714, G>C on the plus strand (C>G on the coding strand, the complement: CEP290 is on the minus strand). VCF-style: chr12-88053714-G-C. GRCh37 (hg19) VCF-style: chr12-88447491-G-C.
Other names: short protein forms A2356G.
Identifiers: ClinVar variation 1060296 (VCV001060296.9), dbSNP rs2136624871, ClinGen allele CA385975067.
Genomic context (GRCh38, chr12:88,053,714, plus strand): 5'-GGTATGGTGCTTTCAGCTCCACTTTGGTCCTTGTTAGCTTCTATCTGATGGATTAATTCT[G>C]CTTTCTCTTTATCCAGCTGATGATTAGCTAATCTAGAACACAATGATAATGTGTTAAAAA-3'
Protein context (NP_079390.3, residues 2346-2366): LANHQLDKEK[Ala2356Gly]ELIHQIEANK